The following is an entry in ClinVar:

NM_000321.3(RB1):c.83C>G (p.Pro28Arg)

Gene: RB1 (RB transcriptional corepressor 1; plus strand). Cytogenetic location: 13q14.2.
Variant type: single nucleotide variant.
Coding change: c.83C>G on transcript NM_000321.3 (MANE Select); coding-DNA position 83, C replaced by G.
Protein change: p.Pro28Arg; replaces proline 28 with arginine.
Molecular consequence: missense variant.
Genome position (GRCh38, 1-based): chr13:48,303,995, C>G. VCF-style: chr13-48303995-C-G. GRCh37 (hg19) VCF-style: chr13-48878131-C-G.
Other names: short protein forms P28R.
Identifiers: ClinVar variation 410943 (VCV000410943.17), dbSNP rs776175164, ClinGen allele CA039558.

ClinVar aggregate classification (germline): Conflicting classifications of pathogenicity. Review status: criteria provided, conflicting classifications (1 of 4 stars). 4 submissions from 4 submitters: Uncertain significance (1); Benign (1); Likely benign (2). Last evaluated 2026-01-20.

Conditions:
Retinoblastoma (RB1). Also called: RETINOBLASTOMA, SOMATIC. Identifiers: Orphanet 790, MedGen C0035335, MeSH D012175, MONDO:0008380, OMIM 180200, HP:0009919. Disease mechanism: loss of function. Inheritance: Both sporadic and heritable forms are tested..
Hereditary cancer-predisposing syndrome. Also called: Tumor predisposition; Hereditary Cancer Syndrome; Hereditary neoplastic syndrome; Neoplastic Syndromes, Hereditary. Identifiers: Orphanet 140162, MedGen C0027672, MeSH D009386, MONDO:0015356.

Allele frequency attached by ClinVar (database versions not stated): gnomAD 0.00001; gnomAD exomes 0.00001; TOPMed 0.00002; ExAC 0.00010; 1000 Genomes Project 30x 0.00016.
gnomAD v4.1: 11 of 1,497,848 alleles (0.00073%); highest among the groups gnomAD compares: South Asian, 0.005%; no homozygotes.

Submissions (4):

Labcorp Genetics (formerly Invitae), Labcorp
Classification: Benign for Retinoblastoma. Last evaluated: 2026-01-20. Review status: criteria provided, single submitter. Criteria: Invitae Variant Classification Sherloc (09022015). Collection method: clinical testing. Allele origin: germline.

Color Diagnostics, LLC DBA Color Health
Classification: Likely benign for Retinoblastoma. Last evaluated: 2025-11-04. Review status: criteria provided, single submitter. Criteria: ACMG Guidelines, 2015. Collection method: clinical testing. Allele origin: germline.

All of Us Research Program, National Institutes of Health
Classification: Uncertain significance for Retinoblastoma. Last evaluated: 2024-08-06. Review status: criteria provided, single submitter. Criteria: ACMG Guidelines, 2015. Collection method: clinical testing. Allele origin: germline. Inheritance: Autosomal dominant inheritance. Observed: 1 variant allele, 1 heterozygote.
Comment: This missense variant replaces proline with arginine at codon 28 of the RB1 protein. Computational prediction suggests that this variant may not impact protein structure and function (internally defined REVEL score threshold <= 0.5, PMID: 27666373). To our knowledge, functional studies have not been reported for this variant. This variant has been reported in individuals affected with retinoblastoma in the literature (PMID: 30636860, 34277001), however in one of those patients the variant co-occurred with an RB1 duplication of exon 12, which more likely explains the disease phenotype (PMID: 34277001). This variant has been identified in 1/93876 chromosomes in the general population by the Genome Aggregation Database (gnomAD). The available evidence is insufficient to determine the role of this variant in disease conclusively. Therefore, this variant is classified as a Variant of Uncertain Significance.

This study involves interpretation of variants in research participants for the purpose of population health screening. Participant phenotype was not available at the time of variant classification. Additional details can be found in publication PMID: 35346344, PMCID: PMC8962531

Ambry Genetics
Classification: Likely benign for Hereditary cancer-predisposing syndrome. Last evaluated: 2021-08-18. Review status: criteria provided, single submitter. Criteria: Ambry Variant Classification Scheme 2023. Collection method: clinical testing. Allele origin: germline.

Literature cited by the submitters: PubMed 30636860 (cited by All of Us Research Program, National Institutes of Health and Ambry Genetics); PubMed 34277001 (cited by All of Us Research Program, National Institutes of Health); PubMed 26747767 (cited by Ambry Genetics); PubMed 31106028 (cited by Ambry Genetics).